The following is an entry in ClinVar:

ClinVar aggregate classification (germline): Uncertain significance. Review status: criteria provided, multiple submitters, no conflicts (2 of 4 stars). 2 submissions from 2 submitters: Uncertain significance (2). Last evaluated 2023-10-05.

Allele frequency attached by ClinVar (database versions not stated): ExAC 0.00004; TOPMed 0.00005; gnomAD 0.00007; ESP Exome Variant Server 0.00016.
gnomAD v4.1: 67 of 1,612,400 alleles (0.0042%); highest among the groups gnomAD compares: East Asian, 0.0067%; no homozygotes.

Submissions (2):

GeneDx
Classification: Uncertain significance. Last evaluated: 2023-10-05. Review status: criteria provided, single submitter. Criteria: GeneDx Variant Classification Process June 2021. Collection method: clinical testing. Allele origin: germline. Affected: yes.
Comment: Not observed at significant frequency in large population cohorts (gnomAD); In silico analysis supports that this missense variant has a deleterious effect on protein structure/function; Has not been previously published as pathogenic or benign to our knowledge

Labcorp Genetics (formerly Invitae), Labcorp
Classification: Uncertain significance. Last evaluated: 2022-05-11. Review status: criteria provided, single submitter. Criteria: Invitae Variant Classification Sherloc (09022015). Collection method: clinical testing. Allele origin: germline.
Comment: This sequence change replaces arginine, which is basic and polar, with cysteine, which is neutral and slightly polar, at codon 1094 of the LTBP4 protein (p.Arg1094Cys). This variant is present in population databases (rs376168693, gnomAD 0.008%). This variant has not been reported in the literature in individuals affected with LTBP4-related conditions. Experimental studies and prediction algorithms are not available or were not evaluated, and the functional significance of this variant is currently unknown. In summary, the available evidence is currently insufficient to determine the role of this variant in disease. Therefore, it has been classified as a Variant of Uncertain Significance.

NM_001042545.2(LTBP4):c.3190C>T (p.Arg1064Cys)

Gene: LTBP4 (latent transforming growth factor beta binding protein 4; plus strand). Cytogenetic location: 19q13.2.
Variant type: single nucleotide variant.
Coding change: c.3190C>T on transcript NM_001042545.2 (MANE Select); coding-DNA position 3190, C replaced by T.
Protein change: p.Arg1064Cys; replaces arginine 1064 with cysteine.
Molecular consequence: missense variant.
Genome position (GRCh38, 1-based): chr19:40,619,466, C>T. VCF-style: chr19-40619466-C-T. GRCh37 (hg19) VCF-style: chr19-41125371-C-T.
Other names: c.3391C>T, p.Arg1131Cys (NM_001042544.1); c.3280C>T, p.Arg1094Cys (NM_003573.2); short protein forms R1064C, R1094C, R1131C.
Identifiers: ClinVar variation 1904569 (VCV001904569.3), dbSNP rs376168693, ClinGen allele CA9448932.